The following is an entry in ClinVar:

ClinVar aggregate classification (germline): Uncertain significance. Review status: criteria provided, multiple submitters, no conflicts (2 of 4 stars). 2 submissions from 2 submitters: Uncertain significance (2). Last evaluated 2024-10-08.

Allele frequency attached by ClinVar (database versions not stated): gnomAD exomes below 0.00001 and 0.00001; TOPMed 0.00001; gnomAD 0.00002.
gnomAD v4.1: 13 of 1,613,712 alleles (0.00081%); highest among the groups gnomAD compares: Non-Finnish European, 0.0011%; no homozygotes.

Submissions (2):

Blueprint Genetics
Classification: Uncertain significance. Last evaluated: 2024-10-08. Review status: criteria provided, single submitter. Criteria: ACMG Guidelines, 2015. Collection method: clinical testing. Allele origin: germline.

Labcorp Genetics (formerly Invitae), Labcorp
Classification: Uncertain significance. Last evaluated: 2022-11-08. Review status: criteria provided, single submitter. Criteria: Invitae Variant Classification Sherloc (09022015). Collection method: clinical testing. Allele origin: germline.
Comment: In summary, the available evidence is currently insufficient to determine the role of this variant in disease. Therefore, it has been classified as a Variant of Uncertain Significance. Algorithms developed to predict the effect of sequence changes on RNA splicing suggest that this variant may disrupt the consensus splice site. ClinVar contains an entry for this variant (Variation ID: 1035405). This variant has not been reported in the literature in individuals affected with UMOD-related conditions. This variant is present in population databases (no rsID available, gnomAD 0.002%). This sequence change affects a donor splice site in intron 4 of the UMOD gene. It is expected to disrupt RNA splicing. Variants that disrupt the donor or acceptor splice site typically lead to a loss of protein function (PMID: 16199547), however the current clinical and genetic evidence is not sufficient to establish whether loss-of-function variants in UMOD cause disease.

Literature cited by the submitters: PubMed 16199547 (cited by Labcorp Genetics (formerly Invitae), Labcorp).

NM_003361.4(UMOD):c.973+1G>A

Gene: UMOD (uromodulin; minus strand). Cytogenetic location: 16p12.3.
Variant type: single nucleotide variant.
Coding change: c.973+1G>A on transcript NM_003361.4 (MANE Select); the canonical splice donor site of the intron after coding-DNA position 973, G replaced by A.
Molecular consequence: splice donor variant.
Genome position (GRCh38, 1-based): chr16:20,348,222, C>T on the plus strand (G>A on the coding strand, the complement: UMOD is on the minus strand). VCF-style: chr16-20348222-C-T. GRCh37 (hg19) VCF-style: chr16-20359544-C-T.
Other names: c.973+1G>A (NM_001008389.3, NM_001378234.1, NM_001378235.1 and 3 more transcripts); c.1072+1G>A (NM_001278614.2).
Identifiers: ClinVar variation 1035405 (VCV001035405.8), dbSNP rs1213889129, ClinGen allele CA394983642.